The following is an entry in ClinVar:

NM_000540.3(RYR1):c.11809T>C (p.Ser3937Pro)

Gene: RYR1 (ryanodine receptor 1; plus strand). Cytogenetic location: 19q13.2.
Variant type: single nucleotide variant.
Coding change: c.11809T>C on transcript NM_000540.3 (MANE Select); coding-DNA position 11809, T replaced by C.
Protein change: p.Ser3937Pro; replaces serine 3937 with proline.
Molecular consequence: missense variant.
Genome position (GRCh38, 1-based): chr19:38,543,562, T>C. VCF-style: chr19-38543562-T-C. GRCh37 (hg19) VCF-style: chr19-39034202-T-C.
Other names: c.11794T>C, p.Ser3932Pro (NM_001042723.2); short protein forms S3932P, S3937P.
Identifiers: ClinVar variation 966746 (VCV000966746.9), dbSNP rs1972295482, ClinGen allele CA405661785.

ClinVar aggregate classification (germline): Uncertain significance (1 of 4 stars; one submission).

Conditions:
RYR1-related disorder. Also called: RYR1-related disorders; RYR1-related condition. Identifiers: MedGen CN239331.

Submission:

Labcorp Genetics (formerly Invitae), Labcorp
Classification: Uncertain significance for RYR1-related disorder. Last evaluated: 2020-12-04. Review status: criteria provided, single submitter. Criteria: Invitae Variant Classification Sherloc (09022015). Collection method: clinical testing. Allele origin: germline.
Comment: This variant is not present in population databases (ExAC no frequency). In summary, the available evidence is currently insufficient to determine the role of this variant in disease. Therefore, it has been classified as a Variant of Uncertain Significance. Algorithms developed to predict the effect of missense changes on protein structure and function are either unavailable or do not agree on the potential impact of this missense change (SIFT: "Deleterious"; PolyPhen-2: "Benign"; Align-GVGD: "Class C0"). This variant has not been reported in the literature in individuals with RYR1-related conditions. This sequence change replaces serine with proline at codon 3937 of the RYR1 protein (p.Ser3937Pro). The serine residue is moderately conserved and there is a moderate physicochemical difference between serine and proline.